The following is an entry in ClinVar:

NM_001203.3(BMPR1B):c.838G>A (p.Asp280Asn)

Gene: BMPR1B (bone morphogenetic protein receptor type 1B; plus strand). Cytogenetic location: 4q22.3.
Variant type: single nucleotide variant.
Coding change: c.838G>A on transcript NM_001203.3 (MANE Select); coding-DNA position 838, G replaced by A.
Protein change: p.Asp280Asn; replaces aspartic acid 280 with asparagine.
Molecular consequence: missense variant.
Genome position (GRCh38, 1-based): chr4:95,131,274, G>A. VCF-style: chr4-95131274-G-A. GRCh37 (hg19) VCF-style: chr4-96052425-G-A.
Other names: c.838G>A, p.Asp280Asn (NM_001256792.2, NM_001256794.1); c.928G>A, p.Asp310Asn (NM_001256793.2); short protein forms D280N, D310N.
Identifiers: ClinVar variation 1320901 (VCV001320901.5), dbSNP rs551370449, ClinGen allele CA3015114.

ClinVar aggregate classification (germline): Uncertain significance. Review status: criteria provided, multiple submitters, no conflicts (2 of 4 stars). 2 submissions from 2 submitters: Uncertain significance (2). Last evaluated 2024-09-04.

Conditions:
Acromesomelic dysplasia 3 (AMD3). Also called: Acromesomelic dysplasia, Demirhan type; CHONDRODYSPLASIA, ACROMESOMELIC, WITH OR WITHOUT GENITAL ANOMALIES. Identifiers: MedGen C4225404, MONDO:0012274, OMIM 609441.
Type A2 brachydactyly (BDA2). Also called: MOHR-WRIEDT TYPE BRACHYDACTYLY; Brachymesophalangy type 2; BRACHYMESOPHALANGY II. Identifiers: Orphanet 93396, MedGen C1832702, MONDO:0007216, OMIM 112600, HP:0009372.

Allele frequency attached by ClinVar (database versions not stated): gnomAD exomes 0.00001; ExAC 0.00002; TOPMed 0.00013; gnomAD 0.00014 and 0.00015.
gnomAD v4.1: 45 of 1,613,854 alleles (0.0028%); highest among the groups gnomAD compares: African/African-American, 0.055%; no homozygotes.

Submissions (2):

Labcorp Genetics (formerly Invitae), Labcorp
Classification: Uncertain significance for Type A2 brachydactyly; Acromesomelic dysplasia 3. Last evaluated: 2024-09-04. Review status: criteria provided, single submitter. Criteria: Invitae Variant Classification Sherloc (09022015). Collection method: clinical testing. Allele origin: germline.
Comment: This sequence change replaces aspartic acid, which is acidic and polar, with asparagine, which is neutral and polar, at codon 280 of the BMPR1B protein (p.Asp280Asn). This variant is present in population databases (rs551370449, gnomAD 0.02%). This variant has not been reported in the literature in individuals affected with BMPR1B-related conditions. ClinVar contains an entry for this variant (Variation ID: 1320901). Invitae Evidence Modeling of protein sequence and biophysical properties (such as structural, functional, and spatial information, amino acid conservation, physicochemical variation, residue mobility, and thermodynamic stability) indicates that this missense variant is not expected to disrupt BMPR1B protein function with a negative predictive value of 80%. In summary, the available evidence is currently insufficient to determine the role of this variant in disease. Therefore, it has been classified as a Variant of Uncertain Significance.

GeneDx
Classification: Uncertain significance. Last evaluated: 2020-11-13. Review status: criteria provided, single submitter. Criteria: GeneDx Variant Classification Process June 2021. Collection method: clinical testing. Allele origin: germline. Affected: yes.
Comment: In silico analysis supports that this missense variant has a deleterious effect on protein structure/function; Has not been previously published as pathogenic or benign to our knowledge